The following is an entry in ClinVar:

NM_022726.4(ELOVL4):c.419del (p.Leu140fs)

Gene: ELOVL4 (ELOVL fatty acid elongase 4; minus strand). Cytogenetic location: 6q14.1.
Variant type: Deletion.
Coding change: c.419del on transcript NM_022726.4 (MANE Select); coding-DNA position 419, one base deleted (T; older notation c.419delT).
Protein change: p.Leu140fs; shifts the reading frame from leucine 140.
Molecular consequence: frameshift variant.
Genome position (GRCh38, 1-based): chr6:79,921,747, A deleted on the plus strand (T on the coding strand, the reverse complement: ELOVL4 is on the minus strand); the first of 3 consecutive A bases (chr6:79,921,747-79,921,749); deleting any one gives the same sequence. VCF-style (leftmost placement, unchanged base first): chr6-79921746-CA-C. GRCh37 (hg19) VCF-style: chr6-80631463-CA-C.
Other names: short protein forms L140fs.
Identifiers: ClinVar variation 5007098 (VCV005007098.2).

ClinVar aggregate classification (germline): Likely pathogenic (1 of 4 stars; one submission).

Conditions:
Stargardt disease 3. Also called: MACULAR DYSTROPHY WITH FLECKS, TYPE 3; STARGARDT-LIKE MACULAR DYSTROPHY, AUTOSOMAL DOMINANT. Identifiers: Orphanet 827, MedGen C1838644, MONDO:0010819, OMIM 600110.
Spinocerebellar ataxia type 34 (SCA34). Identifiers: Orphanet 1955, MedGen C1851481, MONDO:0007574, OMIM 133190.
Ichthyosis, spastic quadriplegia, and impaired intellectual development. Also called: Congenital ichthyosis-intellectual disability-spastic quadriplegia syndrome. Identifiers: Orphanet 352333, MedGen C3280856, MONDO:0013760, OMIM 614457.

Submission:

Juno Genomics, Hangzhou Juno Genomics, Inc
Classification: Likely pathogenic for Ichthyosis, spastic quadriplegia, and impaired intellectual development; Spinocerebellar ataxia type 34; Stargardt disease 3. Review status: criteria provided, single submitter. Criteria: ACMG Guidelines, 2015. Collection method: clinical testing. Allele origin: germline.
Comment: Null variant in a gene where loss of function (LOF) is a known mechanism of disease.;Absent from controls (or at extremely low frequency if recessive) in Genome Aggregation Database.